The following is an entry in ClinVar:

ClinVar aggregate classification (germline): Uncertain significance (1 of 4 stars; one submission).

Allele frequency attached by ClinVar (database versions not stated): TOPMed below 0.00001; gnomAD 0.00001.
gnomAD v4.1: 1 of 1,614,024 alleles (0.000062%); highest among the groups gnomAD compares: Admixed American, 0.0017%; no homozygotes.

Submission:

Labcorp Genetics (formerly Invitae), Labcorp
Classification: Uncertain significance. Last evaluated: 2021-12-16. Review status: criteria provided, single submitter. Criteria: Invitae Variant Classification Sherloc (09022015). Collection method: clinical testing. Allele origin: germline.
Comment: In summary, the available evidence is currently insufficient to determine the role of this variant in disease. Therefore, it has been classified as a Variant of Uncertain Significance. Algorithms developed to predict the effect of missense changes on protein structure and function are either unavailable or do not agree on the potential impact of this missense change (SIFT: "Tolerated"; PolyPhen-2: "Probably Damaging"; Align-GVGD: "Class C0"). This variant has not been reported in the literature in individuals affected with MTMR14-related conditions. This variant is not present in population databases (gnomAD no frequency). This sequence change replaces glutamic acid, which is acidic and polar, with aspartic acid, which is acidic and polar, at codon 266 of the MTMR14 protein (p.Glu266Asp).

NM_001077525.3(MTMR14):c.798A>C (p.Glu266Asp)

Gene: MTMR14 (myotubularin related protein 14; plus strand). Cytogenetic location: 3p25.3.
Variant type: single nucleotide variant.
Coding change: c.798A>C on transcript NM_001077525.3 (MANE Select); coding-DNA position 798, A replaced by C.
Protein change: p.Glu266Asp; replaces glutamic acid 266 with aspartic acid.
Molecular consequence: missense variant. On other transcripts: non-coding transcript variant (6), intron variant (4).
Genome position (GRCh38, 1-based): chr3:9,677,363, A>C. VCF-style: chr3-9677363-A-C. GRCh37 (hg19) VCF-style: chr3-9719047-A-C.
Other names: c.798A>C, p.Glu266Asp (NM_001077526.3, NM_001400520.1, NM_001400523.1 and 2 more transcripts); c.867A>C, p.Glu289Asp (NM_001400518.1, NM_001400521.1, NM_001400526.1); c.795A>C, p.Glu265Asp (NM_001400519.1, NM_001400522.1); c.552A>C, p.Glu184Asp (NM_001400524.1, NM_001400527.1, NM_001400530.1 and 1 more transcripts); c.516A>C, p.Glu172Asp (NM_001400525.1, NM_001400529.1, NM_001400532.1 and 1 more transcripts); c.549A>C, p.Glu183Asp (NM_001400531.1); c.156A>C, p.Glu52Asp (NM_001400533.1, NM_001400534.1, NM_001400535.1 and 9 more transcripts); c.36+4605A>C (NM_001400547.1, NM_001400548.1, NM_001400544.1 and 1 more transcripts); short protein forms E266D, E52D, E184D, E289D, E265D, E172D, E183D.
Identifiers: ClinVar variation 2157742 (VCV002157742.4), dbSNP rs2075617546, ClinGen allele CA351686688.